The following is an entry in ClinVar:

NM_004370.6(COL12A1):c.4255T>G (p.Tyr1419Asp)

Gene: COL12A1 (collagen type XII alpha 1 chain; minus strand). Cytogenetic location: 6q13.
Variant type: single nucleotide variant.
Coding change: c.4255T>G on transcript NM_004370.6 (MANE Select); coding-DNA position 4255, T replaced by G.
Protein change: p.Tyr1419Asp; replaces tyrosine 1419 with aspartic acid.
Molecular consequence: missense variant.
Genome position (GRCh38, 1-based): chr6:75,148,390, A>C on the plus strand (T>G on the coding strand, the complement: COL12A1 is on the minus strand). VCF-style: chr6-75148390-A-C. GRCh37 (hg19) VCF-style: chr6-75858106-A-C.
Other names: c.763T>G, p.Tyr255Asp (NM_080645.3); short protein forms Y255D, Y1419D.
Identifiers: ClinVar variation 934440 (VCV000934440.10), dbSNP rs758640189, ClinGen allele CA364745320.
Genomic context (GRCh38, chr6:75,148,390, plus strand): 5'-GAAGTAAGTTATAGGTGTTCCTACTCACTTCTTGACGTTTCCCTCCAGAAACTGGATAGT[A>C]TTCCACCTTATATCGATCCACACTGTCAGAAGGTGGTGTCCAGCTCACTCTAAAAGAACG-3'
Protein context (NP_004361.3, residues 1409-1429): SDSVDRYKVE[Tyr1419Asp]YPVSGGKRQE

ClinVar aggregate classification (germline): Uncertain significance (1 of 4 stars; one submission).

Conditions:
Ullrich congenital muscular dystrophy 2 (UCMD2). Identifiers: Orphanet 75840, MedGen C4225314, MONDO:0014654, OMIM 616470.
Bethlem myopathy 2 (BTHLM2). Identifiers: Orphanet 536516, Orphanet 610, MedGen C4225313, MONDO:0034022, OMIM 616471.

Submission:

Labcorp Genetics (formerly Invitae), Labcorp
Classification: Uncertain significance for Bethlem myopathy 2; Ullrich congenital muscular dystrophy 2. Last evaluated: 2025-03-06. Review status: criteria provided, single submitter. Criteria: Invitae Variant Classification Sherloc (09022015). Collection method: clinical testing. Allele origin: germline.
Comment: This sequence change replaces tyrosine, which is neutral and polar, with aspartic acid, which is acidic and polar, at codon 1419 of the COL12A1 protein (p.Tyr1419Asp). This variant is not present in population databases (gnomAD no frequency). This variant has not been reported in the literature in individuals affected with COL12A1-related conditions. ClinVar contains an entry for this variant (Variation ID: 934440). Invitae Evidence Modeling of protein sequence and biophysical properties (such as structural, functional, and spatial information, amino acid conservation, physicochemical variation, residue mobility, and thermodynamic stability) indicates that this missense variant is expected to disrupt COL12A1 protein function with a positive predictive value of 80%. In summary, the available evidence is currently insufficient to determine the role of this variant in disease. Therefore, it has been classified as a Variant of Uncertain Significance.